The following is an entry in ClinVar:

NM_004370.6(COL12A1):c.7905T>A (p.Phe2635Leu)

Gene: COL12A1 (collagen type XII alpha 1 chain; minus strand). Cytogenetic location: 6q13.
Variant type: single nucleotide variant.
Coding change: c.7905T>A on transcript NM_004370.6 (MANE Select); coding-DNA position 7905, T replaced by A.
Protein change: p.Phe2635Leu; replaces phenylalanine 2635 with leucine.
Molecular consequence: missense variant.
Genome position (GRCh38, 1-based): chr6:75,113,249, A>T on the plus strand (T>A on the coding strand, the complement: COL12A1 is on the minus strand). VCF-style: chr6-75113249-A-T. GRCh37 (hg19) VCF-style: chr6-75822965-A-T.
Other names: c.7905T>A (NM_004370.5); c.7905T>A, p.Phe2635Leu (NM_001424113.1); c.7884T>A, p.Phe2628Leu (NM_001424114.1); c.7632T>A, p.Phe2544Leu (NM_001424115.1); c.4413T>A, p.Phe1471Leu (NM_001424116.1, NM_080645.3); short protein forms F2544L, F2628L, F2635L, F1471L.
Identifiers: ClinVar variation 2930598 (VCV002930598.7), dbSNP rs375456934, ClinGen allele CA3892431.

ClinVar aggregate classification (germline): Uncertain significance. Review status: criteria provided, multiple submitters, no conflicts (2 of 4 stars). 3 submissions from 3 submitters: Uncertain significance (2). 1 of the submissions does not count toward it. Last evaluated 2025-07-30.

Conditions:
Ullrich congenital muscular dystrophy 2 (UCMD2). Identifiers: Orphanet 75840, MedGen C4225314, MONDO:0014654, OMIM 616470.
Bethlem myopathy 2 (BTHLM2). Identifiers: Orphanet 536516, Orphanet 610, MedGen C4225313, MONDO:0034022, OMIM 616471.
COL12A1-related disorder. Also called: COL12A1-related condition.

Allele frequency attached by ClinVar (database versions not stated): ExAC 0.00001; TOPMed 0.00002; gnomAD 0.00003; ESP Exome Variant Server 0.00009.
gnomAD v4.1: 7 of 1,565,924 alleles (0.00045%); highest among the groups gnomAD compares: Middle Eastern, 0.017%; no homozygotes.

Submissions (3):

GeneDx
Classification: Uncertain significance. Last evaluated: 2025-07-30. Review status: criteria provided, single submitter. Criteria: GeneDx Variant Classification Process June 2021. Collection method: clinical testing. Allele origin: germline.
Comment: Not observed at significant frequency in large population cohorts (gnomAD); In silico analysis supports that this missense variant has a deleterious effect on protein structure/function; Has not been previously published as pathogenic or benign to our knowledge

Labcorp Genetics (formerly Invitae), Labcorp
Classification: Uncertain significance for Bethlem myopathy 2; Ullrich congenital muscular dystrophy 2. Last evaluated: 2023-12-25. Review status: criteria provided, single submitter. Criteria: Invitae Variant Classification Sherloc (09022015). Collection method: clinical testing. Allele origin: germline.
Comment: This sequence change replaces phenylalanine, which is neutral and non-polar, with leucine, which is neutral and non-polar, at codon 2635 of the COL12A1 protein (p.Phe2635Leu). This variant is not present in population databases (gnomAD no frequency). This variant has not been reported in the literature in individuals affected with COL12A1-related conditions. Advanced modeling of protein sequence and biophysical properties (such as structural, functional, and spatial information, amino acid conservation, physicochemical variation, residue mobility, and thermodynamic stability) has been performed at Invitae for this missense variant, however the output from this modeling did not meet the statistical confidence thresholds required to predict the impact of this variant on COL12A1 protein function. In summary, the available evidence is currently insufficient to determine the role of this variant in disease. Therefore, it has been classified as a Variant of Uncertain Significance.

PreventionGenetics, part of Exact Sciences
Classification: Uncertain significance for COL12A1-related condition. Last evaluated: 2023-11-01. Review status: no assertion criteria provided. Collection method: clinical testing. Allele origin: germline. Not counted in ClinVar's aggregate classification.
Comment: The COL12A1 c.7905T>A variant is predicted to result in the amino acid substitution p.Phe2635Leu. To our knowledge, this variant has not been reported in the literature or in a large population database, indicating this variant is rare. At this time, the clinical significance of this variant is uncertain due to the absence of conclusive functional and genetic evidence.